The following is an entry in ClinVar:

ClinVar aggregate classification (germline): Pathogenic/Likely pathogenic. Review status: criteria provided, multiple submitters, no conflicts (2 of 4 stars). 2 submissions from 2 submitters: Pathogenic (1); Likely pathogenic (1). Last evaluated 2023-04-14.

Conditions:
Charcot-Marie-Tooth disease type 2. Also called: Charcot-Marie-Tooth type 2. Identifiers: Orphanet 64746, MedGen C0270914, MONDO:0018993.

Submissions (2):

Labcorp Genetics (formerly Invitae), Labcorp
Classification: Pathogenic for Charcot-Marie-Tooth disease type 2. Last evaluated: 2023-04-14. Review status: criteria provided, single submitter. Criteria: Invitae Variant Classification Sherloc (09022015). Collection method: clinical testing. Allele origin: germline.
Comment: For these reasons, this variant has been classified as Pathogenic. Algorithms developed to predict the effect of sequence changes on RNA splicing suggest that this variant may create or strengthen a splice site. ClinVar contains an entry for this variant (Variation ID: 200955). This premature translational stop signal has been observed in individual(s) with clinical features of autosomal dominant LMNA-related conditions (PMID: 31977013). This variant is not present in population databases (gnomAD no frequency). This sequence change creates a premature translational stop signal (p.Lys114*) in the LMNA gene. It is expected to result in an absent or disrupted protein product. Loss-of-function variants in LMNA are known to be pathogenic (PMID: 18585512, 18926329).

GeneDx
Classification: Likely pathogenic. Last evaluated: 2017-04-04. Review status: criteria provided, single submitter. Criteria: GeneDx Variant Classification (06012015). Collection method: clinical testing. Allele origin: germline. Affected: yes.
Comment: The K114X variant in the LMNA gene has not been reported as a pathogenic variant or as a benign polymorphism to our knowledge. K114X is predicted to cause loss of normal protein function either by protein truncation or nonsense-mediated mRNA decay. Other nonsense variants in the LMNA gene have been reported in HGMD in association with cardiomyopathy (Stenson P et al., 2009). In summary, K114X in the LMNA gene is interpreted as a likely pathogenic variant.

Literature cited by the submitters: PubMed 31977013 (cited by Labcorp Genetics (formerly Invitae), Labcorp); PubMed 18585512 (cited by Labcorp Genetics (formerly Invitae), Labcorp); PubMed 18926329 (cited by Labcorp Genetics (formerly Invitae), Labcorp).

NM_170707.4(LMNA):c.339dup (p.Lys114Ter)

Gene: LMNA (lamin A/C; plus strand). Cytogenetic location: 1q22.
Variant type: Duplication.
Coding change: c.339dup on transcript NM_170707.4 (MANE Select); coding-DNA position 339, one base duplicated (T; older notation c.339dupT).
Protein change: p.Lys114Ter; replaces lysine 114 with a stop codon.
Molecular consequence: nonsense.
Genome position (GRCh38, 1-based): chr1:156,115,257, T duplicated; the last of 3 consecutive T bases (chr1:156,115,255-156,115,257); duplicating any one gives the same sequence. VCF-style (leftmost placement, unchanged base first): chr1-156115254-G-GT. GRCh37 (hg19) VCF-style: chr1-156085045-G-GT.
Other names: c.339dup, p.Lys114Ter (NM_001282625.2, NM_001282626.2, NM_005572.4 and 1 more transcripts); short protein forms K114*.
Identifiers: ClinVar variation 200955 (VCV000200955.5), dbSNP rs794728604, ClinGen allele CA306281.
Genomic context (GRCh38, chr1:156,115,254, plus strand): 5'-TGACTCAGTAGCCAAGGAGCGCGCCCGCCTGCAGCTGGAGCTGAGCAAAGTGCGTGAGGA[G>GT]TTTAAGGAGCTGAAAGCGCGGTGAGTTCGCCCAGGTGGCTGCGTGCCTGGCGGGGAGTGG-3'